The following is an entry in ClinVar:

NC_000014.8:g.(?_67631859)_(67635773_?)del

Gene: GPHN (gephyrin; plus strand). Cytogenetic location: 14q23.3.
Variant type: Deletion.
Identifiers: ClinVar variation 2426607 (VCV002426607.4).

ClinVar aggregate classification (germline): Pathogenic (1 of 4 stars; one submission).

Conditions:
Sulfite oxidase deficiency due to molybdenum cofactor deficiency type C. Also called: Molybdenum cofactor deficiency, complementation group C; Molybdenum cofactor deficiency C. Identifiers: Orphanet 308400, Orphanet 833, MedGen C1854990, MONDO:0014212, OMIM 615501.

Submission:

Labcorp Genetics (formerly Invitae), Labcorp
Classification: Pathogenic for Sulfite oxidase deficiency due to molybdenum cofactor deficiency type C. Last evaluated: 2023-08-02. Review status: criteria provided, single submitter. Criteria: Invitae Variant Classification Sherloc (09022015). Collection method: clinical testing. Allele origin: germline.
Comment: For these reasons, this variant has been classified as Pathogenic. This variant has not been reported in the literature in individuals affected with GPHN-related conditions. This variant is a gross deletion of the genomic region encompassing exon(s) 20-21 of the GPHN gene. This deletion is out-of-frame, and is expected to create a premature termination codon and result in an absent or disrupted protein product. Loss-of-function variants in GPHN are known to be pathogenic (PMID: 11095995, 23184456, 23393157, 24561070, 26613940).

Literature cited by the submitters: PubMed 11095995; PubMed 23184456; PubMed 23393157; PubMed 24561070; PubMed 26613940.